The following is an entry in ClinVar:

NM_022765.4(MICAL1):c.2248C>T (p.His750Tyr)

Gene: MICAL1 (microtubule associated monooxygenase, calponin and LIM domain containing 1; minus strand). Cytogenetic location: 6q21.
Variant type: single nucleotide variant.
Coding change: c.2248C>T on transcript NM_022765.4 (MANE Select); coding-DNA position 2248, C replaced by T.
Protein change: p.His750Tyr; replaces histidine 750 with tyrosine.
Molecular consequence: missense variant.
Genome position (GRCh38, 1-based): chr6:109,446,752, G>A on the plus strand (C>T on the coding strand, the complement: MICAL1 is on the minus strand). VCF-style: chr6-109446752-G-A. GRCh37 (hg19) VCF-style: chr6-109767955-G-A.
Other names: c.1990C>T, p.His664Tyr (NM_001159291.2); c.2305C>T, p.His769Tyr (NM_001286613.2); short protein forms H664Y, H750Y, H769Y.
Identifiers: ClinVar variation 4796929 (VCV004796929.1).
Genomic context (GRCh38, chr6:109,446,752, plus strand): 5'-TTACCGGACTCTCAGGGCCTCTATCGCTGCCTTCCGCTTTGTGGTCTGTCTGGGGCAGGT[G>A]CTGGAGGCAGTAGAAATGTCCTGGAAAGGGTAGAGAGGGGAGGAGGCATTTGGTGTGGGC-3'
Protein context (NP_073602.3, residues 740-760): PGDGHFYCLQ[His750Tyr]LPQTDHKAEG

ClinVar aggregate classification (germline): Uncertain significance (1 of 4 stars; one submission).

gnomAD v4.1: 1 of 1,613,730 alleles (0.000062%); highest among the groups gnomAD compares: African/African-American, 0.0013%; no homozygotes.

Submission:

Labcorp Genetics (formerly Invitae), Labcorp
Classification: Uncertain significance. Last evaluated: 2025-02-18. Review status: criteria provided, single submitter. Criteria: Invitae Variant Classification Sherloc (09022015). Collection method: clinical testing. Allele origin: germline.
Comment: This sequence change replaces histidine, which is basic and polar, with tyrosine, which is neutral and polar, at codon 769 of the MICAL1 protein (p.His769Tyr). This variant is not present in population databases (gnomAD no frequency). This variant has not been reported in the literature in individuals affected with MICAL1-related conditions. An algorithm developed to predict the effect of missense changes on protein structure and function (PolyPhen-2) suggests that this variant is likely to be disruptive. In summary, the available evidence is currently insufficient to determine the role of this variant in disease. Therefore, it has been classified as a Variant of Uncertain Significance.